The following is an entry in ClinVar:

ClinVar aggregate classification (germline): Uncertain significance. Review status: criteria provided, multiple submitters, no conflicts (2 of 4 stars). 2 submissions from 2 submitters: Uncertain significance (2). Last evaluated 2024-01-16.

Conditions:
Inborn genetic diseases. Identifiers: MedGen C0950123, MeSH D030342.

Allele frequency attached by ClinVar (database versions not stated): ExAC 0.00001; gnomAD 0.00001.
gnomAD v4.1: 1 of 1,614,054 alleles (0.000062%); highest among the groups gnomAD compares: Non-Finnish European, 0.000085%; no homozygotes.

Submissions (2):

Ambry Genetics
Classification: Uncertain significance for Inborn genetic diseases. Last evaluated: 2024-01-16. Review status: criteria provided, single submitter. Criteria: Ambry Variant Classification Scheme 2023. Collection method: clinical testing. Allele origin: germline.

Labcorp Genetics (formerly Invitae), Labcorp
Classification: Uncertain significance. Last evaluated: 2022-04-24. Review status: criteria provided, single submitter. Criteria: Invitae Variant Classification Sherloc (09022015). Collection method: clinical testing. Allele origin: germline.
Comment: This variant is present in population databases (rs745436826, gnomAD 0.0009%). In summary, the available evidence is currently insufficient to determine the role of this variant in disease. Therefore, it has been classified as a Variant of Uncertain Significance. Algorithms developed to predict the effect of missense changes on protein structure and function are either unavailable or do not agree on the potential impact of this missense change (SIFT: "Deleterious"; PolyPhen-2: "Benign"; Align-GVGD: "Class C0"). This variant has not been reported in the literature in individuals affected with TTLL5-related conditions. This sequence change replaces serine, which is neutral and polar, with arginine, which is basic and polar, at codon 1260 of the TTLL5 protein (p.Ser1260Arg).

NM_015072.5(TTLL5):c.3780C>A (p.Ser1260Arg)

Gene: TTLL5 (tubulin tyrosine ligase like 5; plus strand). Cytogenetic location: 14q24.3.
Variant type: single nucleotide variant.
Coding change: c.3780C>A on transcript NM_015072.5 (MANE Select); coding-DNA position 3780, C replaced by A.
Protein change: p.Ser1260Arg; replaces serine 1260 with arginine.
Molecular consequence: missense variant.
Genome position (GRCh38, 1-based): chr14:75,902,181, C>A. VCF-style: chr14-75902181-C-A. GRCh37 (hg19) VCF-style: chr14-76368524-C-A.
Other names: c.3780C>A (NM_015072.4); short protein forms S1260R.
Identifiers: ClinVar variation 2120016 (VCV002120016.5), dbSNP rs745436826, ClinGen allele CA7280166.